The following is an entry in ClinVar:

ClinVar aggregate classification (germline): Uncertain significance (1 of 4 stars; one submission).

Submission:

CeGaT Center for Human Genetics Tuebingen
Classification: Uncertain significance. Last evaluated: 2023-04-01. Review status: criteria provided, single submitter. Criteria: CeGaT Center For Human Genetics Tuebingen Variant Classification Criteria Version 2. Collection method: clinical testing. Allele origin: germline. Affected: yes. Observed: 1 variant allele.
Comment: NR2F1: PM2, PP2, PP3, PS2:Supporting, BP5

NM_005654.6(NR2F1):c.1060G>A (p.Glu354Lys)

Gene: NR2F1 (nuclear receptor subfamily 2 group F member 1; plus strand). Cytogenetic location: 5q15.
Variant type: single nucleotide variant.
Coding change: c.1060G>A on transcript NM_005654.6 (MANE Select); coding-DNA position 1060, G replaced by A.
Protein change: p.Glu354Lys; replaces glutamic acid 354 with lysine.
Molecular consequence: missense variant.
Genome position (GRCh38, 1-based): chr5:93,593,630, G>A. VCF-style: chr5-93593630-G-A. GRCh37 (hg19) VCF-style: chr5-92929336-G-A.
Other names: c.610G>A, p.Glu204Lys (NM_001410754.1); short protein forms E204K, E354K.
Identifiers: ClinVar variation 2571226 (VCV002571226.27), dbSNP rs2480817810, ClinGen allele CA360527705.
Genomic context (GRCh38, chr5:93,593,630, plus strand): 5'-GGCCTGTCGGATGCGGCCCACATCGAGAGCCTGCAGGAGAAGTCGCAGTGCGCACTGGAG[G>A]AGTACGTGAGGAGCCAGTACCCCAACCAGCCCAGCCGTTTTGGCAAACTGCTGCTGCGAC-3'
Protein context (NP_005645.1, residues 344-364): LQEKSQCALE[Glu354Lys]YVRSQYPNQP